The following is an entry in ClinVar:

ClinVar aggregate classification (germline): Uncertain significance. Review status: criteria provided, multiple submitters, no conflicts (2 of 4 stars). 5 submissions from 5 submitters: Uncertain significance (5). Last evaluated 2026-03-24.

Conditions:
Inborn genetic diseases. Identifiers: MedGen C0950123, MeSH D030342.
Autosomal recessive ataxia due to ubiquinone deficiency. Also called: Coenzyme Q10 deficiency, primary, 4; SPINOCEREBELLAR ATAXIA, AUTOSOMAL RECESSIVE 9. Identifiers: Orphanet 139485, MedGen C2677589, MONDO:0012784, OMIM 612016.

Allele frequency attached by ClinVar (database versions not stated): gnomAD exomes 0.00004; gnomAD 0.00007; TOPMed 0.00008; ExAC 0.00012; ESP Exome Variant Server 0.00015; 1000 Genomes Project 0.00060; 1000 Genomes Project 30x 0.00062.
gnomAD v4.1: 74 of 1,614,050 alleles (0.0046%); highest among the groups gnomAD compares: East Asian, 0.082%; 1 homozygote.

Submissions (5):

Ambry Genetics
Classification: Uncertain significance for Inborn genetic diseases. Last evaluated: 2026-03-24. Review status: criteria provided, single submitter. Criteria: Ambry Variant Classification Scheme 2023. Collection method: clinical testing. Allele origin: germline.
Comment: The c.1534C>T (p.R512W) alteration is located in exon 13 (coding exon 12) of the COQ8A gene. This alteration results from a C to T substitution at nucleotide position 1534, causing the arginine (R) at amino acid position 512 to be replaced by a tryptophan (W). Based on data from gnomAD, the T allele has an overall frequency of 0.012% (33/282816) total alleles studied. The highest observed frequency was 0.13% (26/19952) of East Asian alleles. This amino acid position is highly conserved in available vertebrate species. This alteration is predicted to be deleterious by in silico analysis. Based on insufficient or conflicting evidence, the clinical significance of this alteration remains unclear.

Athena Diagnostics
Classification: Uncertain significance. Last evaluated: 2025-08-22. Review status: criteria provided, single submitter. Criteria: Athena Diagnostics Criteria. Collection method: clinical testing. Allele origin: unknown.
Comment: Available data are insufficient to determine the clinical significance of the variant at this time. The frequency of this variant in the general population is higher than would generally be expected for pathogenic variants in this gene. Polyphen and MutationTaster predict this amino acid change may be damaging to the protein.

GeneDx
Classification: Uncertain significance. Last evaluated: 2022-09-26. Review status: criteria provided, single submitter. Criteria: GeneDx Variant Classification Process June 2021. Collection method: clinical testing. Allele origin: germline. Affected: yes.
Comment: In silico analysis supports that this missense variant has a deleterious effect on protein structure/function; This variant is associated with the following publications: (PMID: 30800049, 32337771)

Labcorp Genetics (formerly Invitae), Labcorp
Classification: Uncertain significance. Last evaluated: 2022-06-29. Review status: criteria provided, single submitter. Criteria: Invitae Variant Classification Sherloc (09022015). Collection method: clinical testing. Allele origin: germline.
Comment: This sequence change replaces arginine, which is basic and polar, with tryptophan, which is neutral and slightly polar, at codon 512 of the COQ8A protein (p.Arg512Trp). This variant is present in population databases (rs149682899, gnomAD 0.1%). This missense change has been observed in individual(s) with COQ8A-related clinical features (PMID: 30800049). Advanced modeling of protein sequence and biophysical properties (such as structural, functional, and spatial information, amino acid conservation, physicochemical variation, residue mobility, and thermodynamic stability) performed at Invitae indicates that this missense variant is expected to disrupt COQ8A protein function. In summary, the available evidence is currently insufficient to determine the role of this variant in disease. Therefore, it has been classified as a Variant of Uncertain Significance.

Juno Genomics, Hangzhou Juno Genomics, Inc
Classification: Uncertain significance for Autosomal recessive ataxia due to ubiquinone deficiency. Review status: criteria provided, single submitter. Criteria: ACMG Guidelines, 2015. Collection method: clinical testing. Allele origin: germline.
Comment: Absent from controls (or at extremely low frequency if recessive) in Genome Aggregation Database.;For recessive disorders, detected in trans with a pathogenic variant.

Literature cited by the submitters: PubMed 39730427 (cited by Athena Diagnostics); PubMed 32337771 (cited by Athena Diagnostics); PubMed 30800049 (cited by Athena Diagnostics and Labcorp Genetics (formerly Invitae), Labcorp).

NM_020247.5(COQ8A):c.1534C>T (p.Arg512Trp)

Gene: COQ8A (coenzyme Q8A; plus strand). Cytogenetic location: 1q42.13.
Variant type: single nucleotide variant.
Coding change: c.1534C>T on transcript NM_020247.5 (MANE Select); coding-DNA position 1534, C replaced by T.
Protein change: p.Arg512Trp; replaces arginine 512 with tryptophan.
Molecular consequence: missense variant.
Genome position (GRCh38, 1-based): chr1:226,984,903, C>T. VCF-style: chr1-226984903-C-T. GRCh37 (hg19) VCF-style: chr1-227172604-C-T.
Other names: short protein forms R512W.
Identifiers: ClinVar variation 1706962 (VCV001706962.8), dbSNP rs149682899, ClinGen allele CA1425529.